The following is an entry in ClinVar:

ClinVar aggregate classification (germline): Pathogenic (1 of 4 stars; one submission).

Conditions:
Recessive dystrophic epidermolysis bullosa (RDEB). Also called: DYSTROPHIC EPIDERMOLYSIS BULLOSA, AUTOSOMAL RECESSIVE; EPIDERMOLYSIS BULLOSA DYSTROPHICA, HALLOPEAU-SIEMENS TYPE; Hallopeau-Siemens Disease; severe generalized recessive dystrophic epidermolysis bullosa; EPIDERMOLYSIS BULLOSA DYSTROPHICA, GENERALIZED SEVERE, AUTOSOMAL RECESSIVE; Epidermolysis Bullosa Distrophica Autosomal Recessive (RDEB). Identifiers: Orphanet 79408, Orphanet 79409, MedGen C0079474, MONDO:0009179, OMIM 226600.

Submission:

Myriad Genetics, Inc.
Classification: Pathogenic for Recessive dystrophic epidermolysis bullosa. Last evaluated: 2025-03-27. Review status: criteria provided, single submitter. Criteria: Myriad Autosomal Dominant, Autosomal Recessive and X-Linked Classification Criteria (2023). Collection method: clinical testing. Allele origin: unknown.
Comment: NM_000094.3(COL7A1):c.1136C>A(S379*) is expected to be pathogenic in the context of dystrophic epidermolysis bullosa. This variant is predicted to lead to an abnormal or absent protein product due to the creation of a premature termination codon in COL7A1, a gene where loss-of-function variants are known to be pathogenic. Please note: this variant was assessed in the context of healthy population screening.

NM_000094.4(COL7A1):c.1136C>A (p.Ser379Ter)

Gene: COL7A1 (collagen type VII alpha 1 chain; minus strand). Cytogenetic location: 3p21.31.
Variant type: single nucleotide variant.
Coding change: c.1136C>A on transcript NM_000094.4 (MANE Select); coding-DNA position 1136, C replaced by A.
Protein change: p.Ser379Ter; replaces serine 379 with a stop codon.
Molecular consequence: nonsense.
Genome position (GRCh38, 1-based): chr3:48,592,206, G>T on the plus strand (C>A on the coding strand, the complement: COL7A1 is on the minus strand). VCF-style: chr3-48592206-G-T. GRCh37 (hg19) VCF-style: chr3-48629639-G-T.
Other names: short protein forms S379*.
Identifiers: ClinVar variation 5014269 (VCV005014269.1).